The following is an entry in ClinVar:

ClinVar aggregate classification (germline): Uncertain significance (1 of 4 stars; one submission).

Conditions:
Dilated cardiomyopathy 1J (CMD1J). Also called: CARDIOMYOPATHY, DILATED, WITH SENSORINEURAL HEARING LOSS, AUTOSOMAL DOMINANT. Identifiers: Orphanet 217622, MedGen C1854368, MONDO:0011541, OMIM 605362.

Submission:

Labcorp Genetics (formerly Invitae), Labcorp
Classification: Uncertain significance for Dilated cardiomyopathy 1J. Last evaluated: 2022-07-05. Review status: criteria provided, single submitter. Criteria: Invitae Variant Classification Sherloc (09022015). Collection method: clinical testing. Allele origin: germline.
Comment: In summary, the available evidence is currently insufficient to determine the role of this variant in disease. Therefore, it has been classified as a Variant of Uncertain Significance. Algorithms developed to predict the effect of missense changes on protein structure and function are either unavailable or do not agree on the potential impact of this missense change (SIFT: "Deleterious"; PolyPhen-2: "Benign"; Align-GVGD: "Class C0"). ClinVar contains an entry for this variant (Variation ID: 1413009). This variant has not been reported in the literature in individuals affected with EYA4-related conditions. This variant is not present in population databases (gnomAD no frequency). This sequence change replaces glutamine, which is neutral and polar, with glutamic acid, which is acidic and polar, at codon 239 of the EYA4 protein (p.Gln239Glu).

NM_004100.5(EYA4):c.715C>G (p.Gln239Glu)

Gene: EYA4 (EYA transcriptional coactivator and phosphatase 4; plus strand). Cytogenetic location: 6q23.2.
Variant type: single nucleotide variant.
Coding change: c.715C>G on transcript NM_004100.5 (MANE Select); coding-DNA position 715, C replaced by G.
Protein change: p.Gln239Glu; replaces glutamine 239 with glutamic acid.
Molecular consequence: missense variant.
Genome position (GRCh38, 1-based): chr6:133,462,755, C>G. VCF-style: chr6-133462755-C-G. GRCh37 (hg19) VCF-style: chr6-133783893-C-G.
Other names: c.553C>G, p.Gln185Glu (NM_001301012.2, NM_001370459.1); c.715C>G, p.Gln239Glu (NM_001301013.2, NM_172105.4); c.646C>G, p.Gln216Glu (NM_001370458.1, NM_172103.4); short protein forms Q239E, Q185E, Q216E.
Identifiers: ClinVar variation 1413009 (VCV001413009.8), dbSNP rs2128659661, ClinGen allele CA365699765.